The following is an entry in ClinVar:

NM_000368.5(TSC1):c.1082C>T (p.Ser361Phe)

Gene: TSC1 (TSC complex subunit 1; minus strand). Cytogenetic location: 9q34.13.
Variant type: single nucleotide variant.
Coding change: c.1082C>T on transcript NM_000368.5 (MANE Select); coding-DNA position 1082, C replaced by T.
Protein change: p.Ser361Phe; replaces serine 361 with phenylalanine.
Molecular consequence: missense variant. On other transcripts: non-coding transcript variant (5).
Genome position (GRCh38, 1-based): chr9:132,911,061, G>A on the plus strand (C>T on the coding strand, the complement: TSC1 is on the minus strand). VCF-style: chr9-132911061-G-A. GRCh37 (hg19) VCF-style: chr9-135786448-G-A.
Other names: c.1082C>T, p.Ser361Phe (NM_001162426.2, NM_001406592.1, NM_001406593.1 and 16 more transcripts); c.929C>T, p.Ser310Phe (NM_001162427.2, NM_001406610.1, NM_001406611.1 and 2 more transcripts); c.719C>T, p.Ser240Phe (NM_001362177.2, NM_001406614.1, NM_001406615.1 and 10 more transcripts); c.131C>T, p.Ser44Phe (NM_001406627.1, NM_001406628.1, NM_001406626.1); c.32C>T, p.Ser11Phe (NM_001406629.1, NM_001406630.1); short protein forms S44F, S310F, S11F, S240F, S361F.
Identifiers: ClinVar variation 3329409 (VCV003329409.3).
Genomic context (GRCh38, chr9:132,911,061, plus strand): 5'-CCAGTTGTACCAAAGACTTTACTGTAAGGGTGTGACAGATCAGGTGGGACATTTCCAGGA[G>A]AAGTTGGAGGAGTGGTCATACCACAAACCATAGATGGGCTCCAAAGAGTAGCCTGGGAAG-3'
Protein context (NP_000359.1, residues 351-371): MVCGMTTPPT[Ser361Phe]PGNVPPDLSH

ClinVar aggregate classification (germline): Uncertain significance. Review status: criteria provided, multiple submitters, no conflicts (2 of 4 stars). 2 submissions from 2 submitters: Uncertain significance (2). Last evaluated 2025-12-23.

Conditions:
Hereditary cancer-predisposing syndrome. Also called: Hereditary neoplastic syndrome; Tumor predisposition; Hereditary Cancer Syndrome; Neoplastic Syndromes, Hereditary. Identifiers: Orphanet 140162, MedGen C0027672, MeSH D009386, MONDO:0015356.

Submissions (2):

Dasa
Classification: Uncertain significance. Last evaluated: 2025-12-23. Review status: criteria provided, single submitter. Criteria: DASA Assertion Criteria. Collection method: clinical testing. Allele origin: germline.
Comment: NM_000368.5(TSC1):c.1082C>T (p.Ser361Phe) is a missense variant that results in the substitution of serine with phenylalanine. This variant is rare in population databases. Computational prediction algorithms are consistent with a deleterious effect. The currently available literature and clinical evidence are not sufficient to establish a definitive association between this variant and the reported condition. Therefore, this variant is classified as a variant of uncertain significance.

Ambry Genetics
Classification: Uncertain significance for Hereditary cancer-predisposing syndrome. Last evaluated: 2024-04-17. Review status: criteria provided, single submitter. Criteria: Ambry Variant Classification Scheme 2023. Collection method: clinical testing. Allele origin: germline.
Comment: The p.S361F variant (also known as c.1082C>T), located in coding exon 9 of the TSC1 gene, results from a C to T substitution at nucleotide position 1082. The serine at codon 361 is replaced by phenylalanine, an amino acid with highly dissimilar properties. This amino acid position is highly conserved in available vertebrate species. In addition, this alteration is predicted to be deleterious by in silico analysis. Based on the available evidence, the clinical significance of this variant remains unclear.